The following is an entry in ClinVar:

ClinVar aggregate classification (germline): Uncertain significance (1 of 4 stars; one submission).

Submission:

Ambry Genetics
Classification: Uncertain significance. Last evaluated: 2025-12-20. Review status: criteria provided, single submitter. Criteria: Ambry Variant Classification Scheme 2023. Collection method: clinical testing. Allele origin: germline.
Comment: The p.P346A variant (also known as c.1036C>G), located in coding exon 1 of the CDK12 gene, results from a C to G substitution at nucleotide position 1036. The proline at codon 346 is replaced by alanine, an amino acid with highly similar properties. This amino acid position is conserved. In addition, the in silico prediction for this alteration is inconclusive. Based on the available evidence, the clinical significance of this variant remains unclear.

NM_016507.4(CDK12):c.1036C>G (p.Pro346Ala)

Genes: CDK12 (cyclin dependent kinase 12; plus strand), LOC126862553 (CDK7 strongly-dependent group 2 enhancer GRCh37_chr17:37618166-37619365; plus strand). Cytogenetic location: 17q12.
Variant type: single nucleotide variant.
Coding change: c.1036C>G on transcript NM_016507.4 (MANE Select); coding-DNA position 1036, C replaced by G.
Protein change: p.Pro346Ala; replaces proline 346 with alanine.
Molecular consequence: missense variant.
Genome position (GRCh38, 1-based): chr17:39,463,107, C>G. VCF-style: chr17-39463107-C-G. GRCh37 (hg19) VCF-style: chr17-37619360-C-G.
Other names: c.1036C>G, p.Pro346Ala (NM_015083.4); short protein forms P346A.
Identifiers: ClinVar variation 4841675 (VCV004841675.1).
Genomic context (GRCh38, chr17:39,463,107, plus strand): 5'-CCCTATGGTCGAAGGCGGTCCAGCAGCCCTTTCCTGAGCAAGCGGTCTCTGAGTCGGAGT[C>G]CACTCCCCAGGTGAGCTATTTGTCTAACAGTCCTTCCTCATTTAGGGTGGGTTGCGAGGA-3'
Protein context (NP_057591.2, residues 336-356): FLSKRSLSRS[Pro346Ala]LPSRKSMKSR